The following is an entry in ClinVar:

NM_014804.3(KIAA0753):c.2686_2687inv (p.Gln896Trp)

Gene: KIAA0753 (KIAA0753; minus strand). Cytogenetic location: 17p13.1.
Variant type: Inversion.
Coding change: c.2686_2687inv on transcript NM_014804.3 (MANE Select).
Protein change: p.Gln896Trp; replaces glutamine 896 with tryptophan.
Molecular consequence: missense variant. On other transcripts: non-coding transcript variant (3).
Genome position: GRCh38 VCF-style: chr17-6589878-TG-CA. GRCh37 (hg19) VCF-style: chr17-6493198-TG-CA.
Other names: c.1789_1790inv, p.Gln597Trp (NM_001351225.2); short protein forms Q597W, Q896W.
Identifiers: ClinVar variation 1408128 (VCV001408128.4), ClinGen allele CA287343427.

ClinVar aggregate classification (germline): Uncertain significance (1 of 4 stars; one submission).

Submission:

Labcorp Genetics (formerly Invitae), Labcorp
Classification: Uncertain significance. Last evaluated: 2025-01-06. Review status: criteria provided, single submitter. Criteria: Invitae Variant Classification Sherloc (09022015). Collection method: clinical testing. Allele origin: germline.
Comment: This sequence change replaces glutamine, which is neutral and polar, with tryptophan, which is neutral and slightly polar, at codon 896 of the KIAA0753 protein (p.Gln896Trp). This variant is present in population databases (rs386794938, gnomAD 0.08%), including at least one homozygous and/or hemizygous individual. This variant has not been reported in the literature in individuals affected with KIAA0753-related conditions. ClinVar contains an entry for this variant (Variation ID: 1408128). An algorithm developed to predict the effect of missense changes on protein structure and function (PolyPhen-2) suggests that this variant¬†is likely to be tolerated. In summary, the available evidence is currently insufficient to determine the role of this variant in disease. Therefore, it has been classified as a Variant of Uncertain Significance.